The following is an entry in ClinVar:

NM_000051.4(ATM):c.6572+5G>A

Genes: ATM (ATM serine/threonine kinase; plus strand), C11orf65 (chromosome 11 open reading frame 65; minus strand). Cytogenetic location: 11q22.3.
Variant type: single nucleotide variant.
Coding change: c.6572+5G>A on transcript NM_000051.4 (MANE Select); 5 bases into the intron after coding-DNA position 6572, G replaced by A.
Molecular consequence: intron variant.
Genome position (GRCh38, 1-based): chr11:108,321,425, G>A. VCF-style: chr11-108321425-G-A. GRCh37 (hg19) VCF-style: chr11-108192152-G-A.
Other names: c.6572+5G>A (NM_001351834.2); c.641-12354C>T (NM_001330368.2); c.*39-12354C>T (NM_001351110.2).
Identifiers: ClinVar variation 3222404 (VCV003222404.1), dbSNP rs2136243794, ClinGen allele CA645596408.
Genomic context (GRCh38, chr11:108,321,425, plus strand): 5'-CTTAGCAGGTTGCAGGCCATTGGAGAGCTGGAAAGCATTGGGGAGCTTTTCTCAAGGTAT[G>A]TAATTCGTATGACTTTGTTATCCTAAAGTGCAGCTTTTCTGTTACCAATAGTGACTTTAA-3'

ClinVar aggregate classification (germline): Uncertain significance (1 of 4 stars; one submission).

Conditions:
Hereditary cancer-predisposing syndrome. Also called: Tumor predisposition; Hereditary Cancer Syndrome; Hereditary neoplastic syndrome; Neoplastic Syndromes, Hereditary. Identifiers: Orphanet 140162, MedGen C0027672, MeSH D009386, MONDO:0015356.

Submission:

Ambry Genetics
Classification: Uncertain significance for Hereditary cancer-predisposing syndrome. Last evaluated: 2023-12-28. Review status: criteria provided, single submitter. Criteria: Ambry Variant Classification Scheme 2023. Collection method: clinical testing. Allele origin: germline.
Comment: The c.6572+5G>A intronic variant results from a G to A substitution 5 nucleotides after coding exon 44 in the ATM gene. This nucleotide position is highly conserved in available vertebrate species. In silico splice site analysis for this alteration is inconclusive. Since supporting evidence is limited at this time, the clinical significance of this alteration remains unclear.